The following is an entry in ClinVar:

ClinVar aggregate classification (germline): Uncertain significance (1 of 4 stars; one submission).

Conditions:
Methylmalonic acidemia due to transcobalamin receptor defect (MATR). Also called: METHYLMALONIC ACIDEMIA, TCblR TYPE; METHYLMALONIC ACIDURIA, TRANSIENT, DUE TO TRANSCOBALAMIN RECEPTOR DEFECT. Identifiers: Orphanet 280183, MedGen C4749905, MONDO:0013341, OMIM 613646.

gnomAD v4.1: 5 of 1,563,130 alleles (0.00032%); highest among the groups gnomAD compares: Non-Finnish European, 0.00043%; no homozygotes.

Submission:

Labcorp Genetics (formerly Invitae), Labcorp
Classification: Uncertain significance for Methylmalonic acidemia due to transcobalamin receptor defect. Last evaluated: 2024-06-28. Review status: criteria provided, single submitter. Criteria: Invitae Variant Classification Sherloc (09022015). Collection method: clinical testing. Allele origin: germline.
Comment: This sequence change replaces proline, which is neutral and non-polar, with leucine, which is neutral and non-polar, at codon 109 of the CD320 protein (p.Pro109Leu). This variant is not present in population databases (gnomAD no frequency). This variant has not been reported in the literature in individuals affected with CD320-related conditions. An algorithm developed to predict the effect of missense changes on protein structure and function (PolyPhen-2) suggests that this variant is likely to be tolerated. In summary, the available evidence is currently insufficient to determine the role of this variant in disease. Therefore, it has been classified as a Variant of Uncertain Significance.

NM_016579.4(CD320):c.326C>T (p.Pro109Leu)

Gene: CD320 (CD320 molecule; minus strand). Cytogenetic location: 19p13.2.
Variant type: single nucleotide variant.
Coding change: c.326C>T on transcript NM_016579.4 (MANE Select); coding-DNA position 326, C replaced by T.
Protein change: p.Pro109Leu; replaces proline 109 with leucine.
Molecular consequence: missense variant.
Genome position (GRCh38, 1-based): chr19:8,304,031, G>A on the plus strand (C>T on the coding strand, the complement: CD320 is on the minus strand). VCF-style: chr19-8304031-G-A. GRCh37 (hg19) VCF-style: chr19-8368915-G-A.
Other names: c.200C>T, p.Pro67Leu (NM_001165895.2); short protein forms P109L, P67L.
Identifiers: ClinVar variation 3675155 (VCV003675155.2).